The following is an entry in ClinVar:

NM_000026.4(ADSL):c.944T>G (p.Val315Gly)

Gene: ADSL (adenylosuccinate lyase; plus strand). Cytogenetic location: 22q13.1.
Variant type: single nucleotide variant.
Coding change: c.944T>G on transcript NM_000026.4 (MANE Select); coding-DNA position 944, T replaced by G.
Protein change: p.Val315Gly; replaces valine 315 with glycine.
Molecular consequence: missense variant. On other transcripts: non-coding transcript variant (1).
Genome position (GRCh38, 1-based): chr22:40,361,569, T>G. VCF-style: chr22-40361569-T-G. GRCh37 (hg19) VCF-style: chr22-40757573-T-G.
Other names: c.944T>G, p.Val315Gly (NM_001123378.3, NM_001363840.3, NM_001410812.1 and 1 more transcripts); c.752T>G, p.Val251Gly (NM_001317923.2); c.899T>G, p.Val300Gly (NM_001410814.1); short protein forms V251G, V300G, V315G.
Identifiers: ClinVar variation 3681722 (VCV003681722.2).

ClinVar aggregate classification (germline): Uncertain significance (1 of 4 stars; one submission).

Conditions:
Adenylosuccinate lyase deficiency (ADSLD). Also called: ADSL DEFICIENCY. Identifiers: Orphanet 46, MedGen C0268126, MONDO:0007068, OMIM 103050.

Submission:

Labcorp Genetics (formerly Invitae), Labcorp
Classification: Uncertain significance for Adenylosuccinate lyase deficiency. Last evaluated: 2024-03-06. Review status: criteria provided, single submitter. Criteria: Invitae Variant Classification Sherloc (09022015). Collection method: clinical testing. Allele origin: germline.
Comment: This sequence change replaces valine, which is neutral and non-polar, with glycine, which is neutral and non-polar, at codon 315 of the ADSL protein (p.Val315Gly). This variant is not present in population databases (gnomAD no frequency). This variant has not been reported in the literature in individuals affected with ADSL-related conditions. Advanced modeling of protein sequence and biophysical properties (such as structural, functional, and spatial information, amino acid conservation, physicochemical variation, residue mobility, and thermodynamic stability) performed at Invitae indicates that this missense variant is not expected to disrupt ADSL protein function with a negative predictive value of 80%. In summary, the available evidence is currently insufficient to determine the role of this variant in disease. Therefore, it has been classified as a Variant of Uncertain Significance.